The following is an entry in ClinVar:

ClinVar aggregate classification (germline): Likely benign (1 of 4 stars; one submission).

Submission:

GeneDx
Classification: Likely benign. Last evaluated: 2017-04-11. Review status: criteria provided, single submitter. Criteria: GeneDx Variant Classification (06012015). Collection method: clinical testing. Allele origin: germline. Affected: yes.
Comment: This variant is considered likely benign or benign based on one or more of the following criteria: it is a conservative change, it occurs at a poorly conserved position in the protein, it is predicted to be benign by multiple in silico algorithms, and/or has population frequency not consistent with disease.

NM_000051.4(ATM):c.1005A>G (p.Gly335=)

Gene: ATM (ATM serine/threonine kinase; plus strand). Cytogenetic location: 11q22.3.
Variant type: single nucleotide variant.
Coding change: c.1005A>G on transcript NM_000051.4 (MANE Select); coding-DNA position 1005, A replaced by G.
Protein change: p.Gly335=; no amino-acid change (glycine 335 retained).
Molecular consequence: synonymous variant.
Genome position (GRCh38, 1-based): chr11:108,247,067, A>G. VCF-style: chr11-108247067-A-G. GRCh37 (hg19) VCF-style: chr11-108117794-A-G.
Other names: c.1005A>G, p.Gly335= (NM_001351834.2).
Identifiers: ClinVar variation 508922 (VCV000508922.1), dbSNP rs1555068481, ClinGen allele CA476671556.